The following is an entry in ClinVar:

NM_001253852.3(AP4B1):c.901C>T (p.Arg301Cys)

Genes: AP4B1 (adaptor related protein complex 4 subunit beta 1; minus strand), AP4B1-AS1 (AP4B1 antisense RNA 1; plus strand). Cytogenetic location: 1p13.2.
Variant type: single nucleotide variant.
Coding change: c.901C>T on transcript NM_001253852.3 (MANE Select); coding-DNA position 901, C replaced by T.
Protein change: p.Arg301Cys; replaces arginine 301 with cysteine.
Molecular consequence: missense variant. On other transcripts: non-coding transcript variant (2).
Genome position (GRCh38, 1-based): chr1:113,900,117, G>A on the plus strand (C>T on the coding strand, the complement: AP4B1 is on the minus strand). VCF-style: chr1-113900117-G-A. GRCh37 (hg19) VCF-style: chr1-114442739-G-A.
Other names: c.604C>T, p.Arg202Cys (NM_001253853.3); c.397C>T, p.Arg133Cys (NM_001308312.2); c.901C>T, p.Arg301Cys (NM_006594.5); short protein forms R133C, R301C, R202C.
Identifiers: ClinVar variation 2082118 (VCV002082118.4), dbSNP rs555486513, ClinGen allele CA1015984.

ClinVar aggregate classification (germline): Uncertain significance. Review status: criteria provided, multiple submitters, no conflicts (2 of 4 stars). 2 submissions from 2 submitters: Uncertain significance (2). Last evaluated 2024-10-29.

Conditions:
Hereditary spastic paraplegia 47. Also called: Spastic paraplegia 47, autosomal recessive; adaptor protein 4 (AP-4) deficiency syndrome; CEREBRAL PALSY, SPASTIC QUADRIPLEGIC, 5. Identifiers: Orphanet 280763, MedGen C3279738, MONDO:0013551, OMIM 614066.

Allele frequency attached by ClinVar (database versions not stated): gnomAD 0.00001; TOPMed 0.00001; gnomAD exomes 0.00005; ExAC 0.00011; 1000 Genomes Project 30x 0.00016; 1000 Genomes Project 0.00020.
gnomAD v4.1: 81 of 1,614,194 alleles (0.005%); highest among the groups gnomAD compares: South Asian, 0.061%; no homozygotes.

Submissions (2):

Labcorp Genetics (formerly Invitae), Labcorp
Classification: Uncertain significance for Hereditary spastic paraplegia 47. Last evaluated: 2024-10-29. Review status: criteria provided, single submitter. Criteria: Invitae Variant Classification Sherloc (09022015). Collection method: clinical testing. Allele origin: germline.
Comment: This sequence change replaces arginine, which is basic and polar, with cysteine, which is neutral and slightly polar, at codon 301 of the AP4B1 protein (p.Arg301Cys). This variant is present in population databases (rs555486513, gnomAD 0.04%). This variant has not been reported in the literature in individuals affected with AP4B1-related conditions. ClinVar contains an entry for this variant (Variation ID: 2082118). Invitae Evidence Modeling of protein sequence and biophysical properties (such as structural, functional, and spatial information, amino acid conservation, physicochemical variation, residue mobility, and thermodynamic stability) has been performed for this missense variant. However, the output from this modeling did not meet the statistical confidence thresholds required to predict the impact of this variant on AP4B1 protein function. In summary, the available evidence is currently insufficient to determine the role of this variant in disease. Therefore, it has been classified as a Variant of Uncertain Significance.

Fulgent Genetics
Classification: Uncertain significance for Hereditary spastic paraplegia 47. Last evaluated: 2024-05-16. Review status: criteria provided, single submitter. Criteria: ACMG Guidelines, 2015. Collection method: clinical testing. Allele origin: germline.